The following is an entry in ClinVar:

ClinVar aggregate classification (germline): Uncertain significance (1 of 4 stars; one submission).

Conditions:
Hereditary cancer-predisposing syndrome. Also called: Neoplastic Syndromes, Hereditary; Hereditary Cancer Syndrome; Tumor predisposition; Hereditary neoplastic syndrome. Identifiers: Orphanet 140162, MedGen C0027672, MeSH D009386, MONDO:0015356.

Submission:

Ambry Genetics
Classification: Uncertain significance for Hereditary cancer-predisposing syndrome. Last evaluated: 2025-02-21. Review status: criteria provided, single submitter. Criteria: Ambry Variant Classification Scheme 2023. Collection method: clinical testing. Allele origin: germline.
Comment: The c.1729-3C>T intronic variant results from a C to T substitution 3 nucleotides upstream from coding exon 13 in the PTCH1 gene. This nucleotide position is not well conserved in available vertebrate species. In silico splice site analysis predicts that this alteration will not have any significant effect on splicing. Based on the available evidence, the clinical significance of this variant remains unclear.

NM_000264.5(PTCH1):c.1729-3C>T

Genes: PTCH1 (patched 1; minus strand), LOC100507346 (uncharacterized LOC100507346; plus strand). Cytogenetic location: 9q22.32.
Variant type: single nucleotide variant.
Coding change: c.1729-3C>T on transcript NM_000264.5 (MANE Select); 3 bases into the intron before coding-DNA position 1729, C replaced by T.
Molecular consequence: intron variant. On other transcripts: non-coding transcript variant (1).
Genome position (GRCh38, 1-based): chr9:95,469,934, G>A on the plus strand (C>T on the coding strand, the complement: PTCH1 is on the minus strand). VCF-style: chr9-95469934-G-A. GRCh37 (hg19) VCF-style: chr9-98232216-G-A.
Other names: c.1726-3C>T (NM_001083603.3); c.1531-3C>T (NM_001083602.3); c.1573-3C>T (NM_001354918.2); c.1276-3C>T (NM_001083605.3, NM_001083604.3, NM_001083606.3 and 1 more transcripts).
Identifiers: ClinVar variation 3784664 (VCV003784664.1).